The following is an entry in ClinVar:

ClinVar aggregate classification (germline): Pathogenic (1 of 4 stars; one submission).

Conditions:
Familial cancer of breast. Also called: Hereditary breast cancer; hereditary breast carcinoma; BREAST CANCER, FAMILIAL. Identifiers: Orphanet 227535, MedGen C0346153, MONDO:0016419, OMIM 114480. Disease mechanism: loss of function.

Submission:

Labcorp Genetics (formerly Invitae), Labcorp
Classification: Pathogenic for Familial cancer of breast. Last evaluated: 2018-10-20. Review status: criteria provided, single submitter. Criteria: Invitae Variant Classification Sherloc (09022015). Collection method: clinical testing. Allele origin: germline.
Comment: Loss-of-function variants in PALB2 are known to be pathogenic (PMID: 17200668, 24136930, 25099575). For these reasons, this variant has been classified as Pathogenic. This variant has not been reported in the literature in individuals with PALB2-related disease. This variant is not present in population databases (ExAC no frequency). This sequence change creates a premature translational stop signal (p.Lys346Argfs*14) in the PALB2 gene. It is expected to result in an absent or disrupted protein product.

Literature cited by the submitters: PubMed 17200668; PubMed 24136930; PubMed 25099575.

NM_024675.4(PALB2):c.1037_1038del (p.Lys346fs)

Gene: PALB2 (partner and localizer of BRCA2; minus strand). Cytogenetic location: 16p12.2.
Variant type: Deletion.
Coding change: c.1037_1038del on transcript NM_024675.4 (MANE Select); coding-DNA positions 1037 to 1038, 2 bases deleted (AA; older notation c.1037_1038delAA).
Protein change: p.Lys346fs; shifts the reading frame from lysine 346.
Molecular consequence: frameshift variant.
Genome position (GRCh38, 1-based): chr16:23,635,508-23,635,509, TT deleted on the plus strand (AA on the coding strand, the reverse complement: PALB2 is on the minus strand); deleting any 2 consecutive bases within chr16:23,635,508-23,635,511 gives the same sequence; the c. name uses the placement nearest the transcript's 3' end. VCF-style (leftmost placement, unchanged base first): chr16-23635507-CTT-C. GRCh37 (hg19) VCF-style: chr16-23646828-CTT-C.
Other names: c.1037_1038delAA (NM_024675.3); short protein forms K346fs.
Identifiers: ClinVar variation 657831 (VCV000657831.7), dbSNP rs1597097438, ClinGen allele CA915949209.